The following is an entry in ClinVar:

ClinVar aggregate classification (germline): Uncertain significance (1 of 4 stars; one submission).

Submission:

Dasa
Classification: Uncertain significance. Last evaluated: 2025-09-04. Review status: criteria provided, single submitter. Criteria: DASA Assertion Criteria. Collection method: clinical testing. Allele origin: germline.
Comment: NM_005035.4(POLRMT):c.907C>G (p.Leu303Val) is a missense variant that results in the substitution of leucine with valine. This variant is absent from population databases. Computational prediction algorithms are consistent with a benign effect. The currently available literature and clinical evidence are not sufficient to establish a definitive association between this variant and the reported condition. Therefore, this variant is classified as a variant of uncertain significance.

NM_005035.4(POLRMT):c.907C>G (p.Leu303Val)

Gene: POLRMT (RNA polymerase mitochondrial; minus strand). Cytogenetic location: 19p13.3.
Variant type: single nucleotide variant.
Coding change: c.907C>G on transcript NM_005035.4 (MANE Select); coding-DNA position 907, C replaced by G.
Protein change: p.Leu303Val; replaces leucine 303 with valine.
Molecular consequence: missense variant. On other transcripts: non-coding transcript variant (1).
Genome position (GRCh38, 1-based): chr19:625,170, G>C on the plus strand (C>G on the coding strand, the complement: POLRMT is on the minus strand). VCF-style: chr19-625170-G-C. GRCh37 (hg19) VCF-style: chr19-625170-G-C.
Other names: c.907C>G, p.Leu303Val (NM_001407805.1, NM_001407806.1, NM_001407807.1 and 10 more transcripts); c.865C>G, p.Leu289Val (NM_001407811.1, NM_001407813.1); c.583C>G, p.Leu195Val (NM_001407831.1, NM_001407833.1, NM_001407834.1 and 2 more transcripts); short protein forms L195V, L289V, L303V.
Identifiers: ClinVar variation 4886637 (VCV004886637.2).